The following is an entry in ClinVar:

ClinVar aggregate classification (germline): Likely benign. Review status: criteria provided, single submitter (1 of 4 stars). 2 submissions from 2 submitters: Likely benign (1). 1 of the submissions does not count toward it. Last evaluated 2024-01-31.

Conditions:
Zellweger spectrum disorders (ZS). Also called: Zellweger Spectrum Disorder; Zellweger Spectrum; Zellweger syndrome; Zellweger Spectrum Disorder (ZSD). Identifiers: Orphanet 912, MedGen C0043459, MONDO:0019609.
PEX1-related disorder. Also called: PEX1-related condition.

Allele frequency attached by ClinVar (database versions not stated): ExAC 0.00002; TOPMed 0.00003; gnomAD 0.00004.
gnomAD v4.1: 21 of 1,614,014 alleles (0.0013%); highest among the groups gnomAD compares: African/African-American, 0.004%; no homozygotes.

Submissions (2):

Labcorp Genetics (formerly Invitae), Labcorp
Classification: Likely benign for Zellweger spectrum disorders. Last evaluated: 2024-01-31. Review status: criteria provided, single submitter. Criteria: Invitae Variant Classification Sherloc (09022015). Collection method: clinical testing. Allele origin: germline.

PreventionGenetics, part of Exact Sciences
Classification: Likely benign for PEX1-related condition. Last evaluated: 2023-08-16. Review status: no assertion criteria provided. Collection method: clinical testing. Allele origin: germline. Not counted in ClinVar's aggregate classification.
Comment: This variant is classified as likely benign based on ACMG/AMP sequence variant interpretation guidelines (Richards et al. 2015 PMID: 25741868, with internal and published modifications).

NM_000466.3(PEX1):c.2022G>A (p.Pro674=)

Gene: PEX1 (peroxisomal biogenesis factor 1; minus strand). Cytogenetic location: 7q21.2.
Variant type: single nucleotide variant.
Coding change: c.2022G>A on transcript NM_000466.3 (MANE Select); coding-DNA position 2022, G replaced by A.
Protein change: p.Pro674=; no amino-acid change (proline 674 retained).
Molecular consequence: synonymous variant. On other transcripts: intron variant (1).
Genome position (GRCh38, 1-based): chr7:92,504,781, C>T on the plus strand (G>A on the coding strand, the complement: PEX1 is on the minus strand). VCF-style: chr7-92504781-C-T. GRCh37 (hg19) VCF-style: chr7-92134095-C-T.
Other names: c.2022G>A (NM_000466.2); c.1398G>A, p.Pro466= (NM_001282678.2); c.1900+1467G>A (NM_001282677.2).
Identifiers: ClinVar variation 2146357 (VCV002146357.6), dbSNP rs767491362, ClinGen allele CA4341238.